The following is an entry in ClinVar:

ClinVar aggregate classification (germline): Uncertain significance (1 of 4 stars; one submission).

Submission:

Labcorp Genetics (formerly Invitae), Labcorp
Classification: Uncertain significance. Last evaluated: 2022-09-19. Review status: criteria provided, single submitter. Criteria: Invitae Variant Classification Sherloc (09022015). Collection method: clinical testing. Allele origin: germline.
Comment: In summary, the available evidence is currently insufficient to determine the role of this variant in disease. Therefore, it has been classified as a Variant of Uncertain Significance. Algorithms developed to predict the effect of missense changes on protein structure and function are either unavailable or do not agree on the potential impact of this missense change (SIFT: "Deleterious"; PolyPhen-2: "Benign"; Align-GVGD: "Class C35"). ClinVar contains an entry for this variant (Variation ID: 1519309). This variant has not been reported in the literature in individuals affected with DIP2C-related conditions. This variant is not present in population databases (gnomAD no frequency). This sequence change replaces leucine, which is neutral and non-polar, with serine, which is neutral and polar, at codon 895 of the DIP2C protein (p.Leu895Ser).

NM_014974.3(DIP2C):c.2684T>C (p.Leu895Ser)

Gene: DIP2C (DIP2 acetate--CoA ligase C (putative); minus strand). Cytogenetic location: 10p15.3.
Variant type: single nucleotide variant.
Coding change: c.2684T>C on transcript NM_014974.3 (MANE Select); coding-DNA position 2684, T replaced by C.
Protein change: p.Leu895Ser; replaces leucine 895 with serine.
Molecular consequence: missense variant.
Genome position (GRCh38, 1-based): chr10:362,600, A>G on the plus strand (T>C on the coding strand, the complement: DIP2C is on the minus strand). VCF-style: chr10-362600-A-G. GRCh37 (hg19) VCF-style: chr10-408540-A-G.
Other names: short protein forms L895S.
Identifiers: ClinVar variation 1519309 (VCV001519309.8), dbSNP rs2132721674, ClinGen allele CA375832675.
Genomic context (GRCh38, chr10:362,600, plus strand): 5'-CACATTAGGACATTGCAGGGGTGCAGAGAGCCCTCCAGAAAAAGCTGTTTTGTTTCTGAT[A>G]AATGGATCCCACCAAGCGGGGTTTTGGGGAGGGTGTTTGCTGGCACCAAGGCCAGGCAAT-3'
Protein context (NP_055789.1, residues 885-905): LPKTPLGGIH[Leu895Ser]SETKQLFLEG